The following is an entry in ClinVar:

ClinVar aggregate classification (germline): Uncertain significance (1 of 4 stars; one submission).

Conditions:
Primary dilated cardiomyopathy (DCM). Also called: Dilated Cardiomyopathy. Identifiers: Orphanet 217604, MedGen C0007193, MeSH D002311, MONDO:0005021, HP:0001644. Inheritance: Various modes of inheritance.

Submission:

Labcorp Genetics (formerly Invitae), Labcorp
Classification: Uncertain significance for Primary dilated cardiomyopathy. Last evaluated: 2025-12-26. Review status: criteria provided, single submitter. Criteria: Invitae Variant Classification Sherloc (09022015). Collection method: clinical testing. Allele origin: germline.
Comment: This variant, c.344_346del, results in the deletion of 1 amino acid(s) of the NEBL protein (p.Gly115del), but otherwise preserves the integrity of the reading frame. This variant is present in population databases (rs773042028, gnomAD 0.04%). This variant has not been reported in the literature in individuals affected with NEBL-related conditions. ClinVar contains an entry for this variant (Variation ID: 1007977). Experimental studies and prediction algorithms are not available or were not evaluated, and the functional significance of this variant is currently unknown. In summary, the available evidence is currently insufficient to determine the role of this variant in disease. Therefore, it has been classified as a Variant of Uncertain Significance.

NM_006393.3(NEBL):c.344_346del (p.Gly115del)

Gene: NEBL (nebulette; minus strand). Cytogenetic location: 10p12.31.
Variant type: Deletion.
Coding change: c.344_346del on transcript NM_006393.3 (MANE Select); coding-DNA positions 344 to 346, 3 bases deleted (GAG; older notation c.344_346delGAG).
Protein change: p.Gly115del; deletes glycine 115.
Molecular consequence: inframe deletion. On other transcripts: intron variant (9).
Genome position (GRCh38, 1-based): chr10:20,888,120-20,888,122, CTC deleted on the plus strand (GAG on the coding strand, the reverse complement: NEBL is on the minus strand); deleting any 3 consecutive bases within chr10:20,888,120-20,888,124 gives the same sequence; the c. name uses the placement nearest the transcript's 3' end. VCF-style (leftmost placement, unchanged base first): chr10-20888119-TCTC-T. GRCh37 (hg19) VCF-style: chr10-21177048-TCTC-T.
Other names: c.249+73550_249+73552del (NM_001377326.1, NM_001377327.1, NM_001377328.1); c.357+73550_357+73552del (NM_213569.2, NM_001173484.2, NM_001377322.1); c.300+73550_300+73552del (NM_001377324.1); c.291+73550_291+73552del (NM_001377325.1); c.309+73550_309+73552del (NM_001377323.1); short protein forms G115del.
Identifiers: ClinVar variation 1007977 (VCV001007977.7), dbSNP rs773042028, ClinGen allele CA5433281.
Genomic context (GRCh38, chr10:20,888,119, plus strand): 5'-TATCTACAAAATCATGAAACACTTTAGAAAAACCCTACCTCACTCTGGAGCTGTGTAACT[TCTC>T]CTGCAAAAACACTGTCAATTGTGGCTGGCATCCGCTTATAAAGAGAATTAGAAAGGTCAG-3'